The following is an entry in ClinVar:

NM_001034116.2(EIF2B4):c.414dup (p.Ser139fs)

Gene: EIF2B4 (eukaryotic translation initiation factor 2B subunit delta; minus strand). Cytogenetic location: 2p23.3.
Variant type: Duplication.
Coding change: c.414dup on transcript NM_001034116.2 (MANE Select); coding-DNA position 414, one base duplicated (C; older notation c.414dupC).
Protein change: p.Ser139fs; shifts the reading frame from serine 139.
Molecular consequence: frameshift variant. On other transcripts: 5 prime UTR variant (1), intron variant (1).
Genome position (GRCh38, 1-based): chr2:27,369,010, G duplicated on the plus strand (C on the coding strand, the reverse complement: EIF2B4 is on the minus strand); the first of 5 consecutive G bases (chr2:27,369,010-27,369,014); duplicating any one gives the same sequence. VCF-style (leftmost placement, unchanged base first): chr2-27369009-A-AG. GRCh37 (hg19) VCF-style: chr2-27591876-A-AG.
Other names: c.477dup, p.Ser160fs (NM_001318965.2); c.369dup, p.Ser124fs (NM_001318966.2); c.321dup, p.Ser108fs (NM_001318967.2); c.-179dup (NM_001318969.2); c.411dup, p.Ser138fs (NM_015636.4); c.474dup, p.Ser159fs (NM_172195.4); c.-168+66dup (NM_001318968.2); c.474dupC (NM_172195.3); short protein forms S108fs, S139fs, S160fs, S138fs, S124fs, S159fs.
Identifiers: ClinVar variation 931875 (VCV000931875.3), dbSNP rs1682104932, ClinGen allele CA1139656782.

ClinVar aggregate classification (germline): Likely pathogenic (1 of 4 stars; one submission).

Conditions:
Vanishing white matter disease. Also called: CACH syndrome; Childhood ataxia with diffuse central nervous system hypomyelination; Leukoencephalopathy with vanishing white matter; CACH/VWM syndrome; Cree leukoencehalopathy. Identifiers: Orphanet 135, Orphanet 99853, MedGen C1858991, MONDO:0800448.

Submission:

Centre for Mendelian Genomics, University Medical Centre Ljubljana
Classification: Likely pathogenic for Leukoencephalopathy with vanishing white matter 1. Last evaluated: 2018-10-22. Review status: criteria provided, single submitter. Criteria: ACMG Guidelines, 2015. Collection method: clinical testing. Allele origin: unknown. Affected: yes.
Comment: This variant was classified as: Likely pathogenic. The following ACMG criteria were applied in classifying this variant: PVS1,PM2.